The following is an entry in ClinVar:

ClinVar aggregate classification (germline): Pathogenic (0 of 4 stars; one submission).

Conditions:
Childhood apraxia of speech (SPCH1). Also called: Speech language disorder; DEVELOPMENTAL VERBAL DYSPRAXIA; SPEECH AND LANGUAGE DISORDER WITH OROFACIAL DYSPRAXIA; FOXP2-Related Speech and Language Disorder. Identifiers: Orphanet 209908, MedGen C0750927, MONDO:0011184, OMIM 602081.

Submission:

GeneReviews
Classification: Pathogenic for Childhood apraxia of speech. Last evaluated: 2016-03-02. Review status: no assertion criteria provided. Collection method: literature only. Allele origin: germline. Affected: yes. Observed: 1 variant allele.
Comment: Speech: CAS Oromotor: Oromotor difficulties Language: Impaired expressive & receptive Cognition: Cognitive impairment

Literature cited by the submitters: PubMed 17033973.

7q22-q31.3 deletion (15 Mb)

Gene: FOXP2 (forkhead box P2; plus strand). Cytogenetic location: 7q22-q31.3.
Variant type: Deletion.
Identifiers: ClinVar variation 242970 (VCV000242970.1).